The following is an entry in ClinVar:

ClinVar aggregate classification (germline): Conflicting classifications of pathogenicity. Review status: criteria provided, conflicting classifications (1 of 4 stars). 2 submissions from 2 submitters: Pathogenic (1); Uncertain significance (1). Last evaluated 2026-08-06.

Submissions (2):

OLLIN Analises Genomicas, OLLIN
Classification: Uncertain significance. Last evaluated: 2026-08-06. Review status: criteria provided, single submitter. Criteria: ACMG Guidelines 2015 PMID 25741868. Collection method: clinical testing. Allele origin: germline.
Comment: This frameshift variant, located in exon 8 (of 23), is absent from gnomAD and ClinVar and has not been identified in the literature. This variant causes a frameshift and introduces a premature stop codon, which is predicted to result in either a truncated protein or degradation of the mRNA via nonsense-mediated decay (NMD). According to the currently available evidence, this variant has been classified as uncertain significance (PVS1_M, PM2_P).

Dasa
Classification: Pathogenic. Last evaluated: 2025-11-22. Review status: criteria provided, single submitter. Criteria: DASA Assertion Criteria. Collection method: clinical testing. Allele origin: germline.
Comment: NM_001289080.2(CNTN6):c.944del (p.Tyr315Leufs*38) is a frameshift variant in CNTN6 predicted to alter the reading frame and introduce a premature termination codon and is predicted to result in an absent or altered protein product. Loss of function is an established disease mechanism for CNTN6-associated disorders. Published studies describe this variant in association with related phenotype (PMID: 25219767). Also, this variant is rare in population databases. Based on the currently available evidence, this variant is classified as pathogenic.

Literature cited by the submitters: PubMed 25219767 (cited by Dasa).

NM_001289080.2(CNTN6):c.944del (p.Tyr315fs)

Gene: CNTN6 (contactin 6; plus strand). Cytogenetic location: 3p26.3.
Variant type: Deletion.
Coding change: c.944del on transcript NM_001289080.2 (MANE Select); coding-DNA position 944, one base deleted (A; older notation c.944delA).
Protein change: p.Tyr315fs; shifts the reading frame from tyrosine 315.
Molecular consequence: frameshift variant. On other transcripts: 5 prime UTR variant (3), intron variant (2).
Genome position (GRCh38, 1-based): chr3:1,321,832, A deleted. VCF-style (leftmost placement, unchanged base first): chr3-1321831-TA-T. GRCh37 (hg19) VCF-style: chr3-1363515-TA-T.
Other names: c.728del, p.Tyr243fs (NM_001289081.2); c.944del, p.Tyr315fs (NM_001349350.2, NM_001349351.2, NM_001349352.2 and 4 more transcripts); c.836del, p.Tyr279fs (NM_001349356.2); c.632del, p.Tyr211fs (NM_001349357.2); c.-179del (NM_001349360.2, NM_001349361.2, NM_001349362.2); c.659-7953del (NM_001349358.2); c.-176-3983del (NM_001349359.2); short protein forms Y211fs, Y243fs, Y279fs, Y315fs.
Identifiers: ClinVar variation 4852686 (VCV004852686.3).